The following is an entry in ClinVar:

NM_000138.5(FBN1):c.2143_2161del (p.Pro715fs)

Gene: FBN1 (fibrillin 1; minus strand). Cytogenetic location: 15q21.1.
Variant type: Deletion.
Coding change: c.2143_2161del on transcript NM_000138.5 (MANE Select); coding-DNA positions 2143 to 2161, 19 bases deleted (CCAGGAATGACGTCAGCAG).
Protein change: p.Pro715fs; shifts the reading frame from proline 715.
Molecular consequence: frameshift variant.
Genome position (GRCh38, 1-based): chr15:48,498,991-48,499,009, CTGCTGACGTCATTCCTGG deleted on the plus strand (CCAGGAATGACGTCAGCAG on the coding strand, the reverse complement: FBN1 is on the minus strand); deleting any 19 consecutive bases within chr15:48,498,991-48,499,010 gives the same sequence; the c. name uses the placement nearest the transcript's 3' end. VCF-style (leftmost placement, unchanged base first): chr15-48498990-CCTGCTGACGTCATTCCTGG-C. GRCh37 (hg19) VCF-style: chr15-48791187-CCTGCTGACGTCATTCCTGG-C.
Other names: c.2143_2161delCCAGGAATGACGTCAGCAG (NM_000138.4); short protein forms P715fs.
Identifiers: ClinVar variation 648195 (VCV000648195.6), dbSNP rs1597571360, ClinGen allele CA915946592.

ClinVar aggregate classification (germline): Pathogenic (1 of 4 stars; one submission).

Conditions:
Familial thoracic aortic aneurysm and aortic dissection (TAAD). Also called: Thoracic aortic aneurysms and dissections. Identifiers: Orphanet 91387, MedGen C4707243, MONDO:0019625.
Marfan syndrome (MFS). Also called: FBN1-Related Marfan Syndrome; Marfan syndrome type 1; Marfan's syndrome; Marfan syndrome, classic; MARFAN SYNDROME, TYPE I. Identifiers: Orphanet 284963, Orphanet 558, MedGen C0024796, MONDO:0007947, OMIM 154700.

Submission:

Labcorp Genetics (formerly Invitae), Labcorp
Classification: Pathogenic for Marfan syndrome; Familial thoracic aortic aneurysm and aortic dissection. Last evaluated: 2018-11-16. Review status: criteria provided, single submitter. Criteria: Invitae Variant Classification Sherloc (09022015). Collection method: clinical testing. Allele origin: germline.
Comment: This sequence change creates a premature translational stop signal (p.Pro715Alafs*4) in the FBN1 gene. It is expected to result in an absent or disrupted protein product. This variant is not present in population databases (ExAC no frequency). This variant has not been reported in the literature in individuals with FBN1-related disease. Loss-of-function variants in FBN1 are known to be pathogenic (PMID: 17657824, 19293843). For these reasons, this variant has been classified as Pathogenic.

Literature cited by the submitters: PubMed 17657824; PubMed 19293843.